The following is an entry in ClinVar:

ClinVar aggregate classification (germline): Uncertain significance (1 of 4 stars; one submission).

Conditions:
Cutis laxa, X-linked (OHS). Also called: EDS IX; Occipital horn syndrome. Identifiers: Orphanet 198, MedGen C0268353, MONDO:0010572, OMIM 304150.
X-linked distal spinal muscular atrophy type 3. Also called: SPINAL MUSCULAR ATROPHY, DISTAL, X-LINKED RECESSIVE; ATP7A-Related Distal Motor Neuropathy; NEURONOPATHY, DISTAL HEREDITARY MOTOR, X-LINKED; NEUROPATHY, DISTAL HEREDITARY MOTOR, X-LINKED. Identifiers: Orphanet 139557, MedGen C1845359, MONDO:0010338, OMIM 300489.
Menkes kinky-hair syndrome (MNK). Also called: Copper transport disease; Classic Menkes Disease; Menkes Disease. Identifiers: Orphanet 565, MedGen C0022716, MONDO:0010651, OMIM 309400.

gnomAD v4.1: 2 of 1,211,433 alleles (0.00017%); highest among the groups gnomAD compares: Non-Finnish European, 0.00022%; no homozygotes.

Submission:

Labcorp Genetics (formerly Invitae), Labcorp
Classification: Uncertain significance for X-linked distal spinal muscular atrophy type 3; Cutis laxa, X-linked; Menkes kinky-hair syndrome. Last evaluated: 2022-07-12. Review status: criteria provided, single submitter. Criteria: Invitae Variant Classification Sherloc (09022015). Collection method: clinical testing. Allele origin: germline.
Comment: This sequence change replaces arginine, which is basic and polar, with glycine, which is neutral and non-polar, at codon 1423 of the ATP7A protein (p.Arg1423Gly). This variant is not present in population databases (gnomAD no frequency). This variant has not been reported in the literature in individuals affected with ATP7A-related conditions. In summary, the available evidence is currently insufficient to determine the role of this variant in disease. Therefore, it has been classified as a Variant of Uncertain Significance. Advanced modeling of protein sequence and biophysical properties (such as structural, functional, and spatial information, amino acid conservation, physicochemical variation, residue mobility, and thermodynamic stability) performed at Invitae indicates that this missense variant is not expected to disrupt ATP7A protein function. ClinVar contains an entry for this variant (Variation ID: 1348549).

NM_000052.7(ATP7A):c.4267C>G (p.Arg1423Gly)

Gene: ATP7A (ATPase copper transporting alpha; plus strand). Cytogenetic location: Xq21.1.
Variant type: single nucleotide variant.
Coding change: c.4267C>G on transcript NM_000052.7 (MANE Select); coding-DNA position 4267, C replaced by G.
Protein change: p.Arg1423Gly; replaces arginine 1423 with glycine.
Molecular consequence: missense variant. On other transcripts: non-coding transcript variant (1).
Genome position (GRCh38, 1-based): chrX:78,046,334, C>G. VCF-style: chrX-78046334-C-G. GRCh37 (hg19) VCF-style: chrX-77301831-C-G.
Other names: c.4033C>G, p.Arg1345Gly (NM_001282224.2); short protein forms R1423G, R1345G.
Identifiers: ClinVar variation 1348549 (VCV001348549.6), dbSNP rs149079962, ClinGen allele CA413606047.